The following is an entry in ClinVar:

ClinVar aggregate classification (germline): Uncertain significance (1 of 4 stars; one submission).

Allele frequency attached by ClinVar (database versions not stated): TOPMed below 0.00001; gnomAD 0.00001; ExAC 0.00002.
gnomAD v4.1: 21 of 1,613,106 alleles (0.0013%); highest among the groups gnomAD compares: South Asian, 0.0055%; no homozygotes.

Submission:

Labcorp Genetics (formerly Invitae), Labcorp
Classification: Uncertain significance. Last evaluated: 2022-09-04. Review status: criteria provided, single submitter. Criteria: Invitae Variant Classification Sherloc (09022015). Collection method: clinical testing. Allele origin: germline.
Comment: This sequence change affects codon 467 of the ADD3 mRNA. It is a 'silent' change, meaning that it does not change the encoded amino acid sequence of the ADD3 protein. This variant also falls at the last nucleotide of exon 10, which is part of the consensus splice site for this exon. This variant is present in population databases (rs755780836, gnomAD 0.007%). This variant has not been reported in the literature in individuals affected with ADD3-related conditions. Variants that disrupt the consensus splice site are a relatively common cause of aberrant splicing (PMID: 17576681, 9536098). Algorithms developed to predict the effect of sequence changes on RNA splicing suggest that this variant may disrupt the consensus splice site. In summary, the available evidence is currently insufficient to determine the role of this variant in disease. Therefore, it has been classified as a Variant of Uncertain Significance.

Literature cited by the submitters: PubMed 17576681; PubMed 9536098.

NM_016824.5(ADD3):c.1401G>A (p.Thr467=)

Gene: ADD3 (adducin 3; plus strand). Cytogenetic location: 10q25.2.
Variant type: single nucleotide variant.
Coding change: c.1401G>A on transcript NM_016824.5 (MANE Select); coding-DNA position 1401, G replaced by A.
Protein change: p.Thr467=; no amino-acid change (threonine 467 retained).
Molecular consequence: synonymous variant.
Genome position (GRCh38, 1-based): chr10:110,124,274, G>A. VCF-style: chr10-110124274-G-A. GRCh37 (hg19) VCF-style: chr10-111884032-G-A.
Other names: c.1401G>A, p.Thr467= (NM_001121.4, NM_001320591.2, NM_001320592.2 and 2 more transcripts); c.1167G>A, p.Thr389= (NM_001320594.2).
Identifiers: ClinVar variation 2082911 (VCV002082911.3), dbSNP rs755780836, ClinGen allele CA5686597.